The following is an entry in ClinVar:

ClinVar aggregate classification (germline): Likely benign. Review status: criteria provided, multiple submitters, no conflicts (2 of 4 stars). 2 submissions from 2 submitters: Likely benign (2). Last evaluated 2024-03-02.

Allele frequency attached by ClinVar (database versions not stated): gnomAD 0.00001 and 0.00002; gnomAD exomes 0.00003; TOPMed 0.00004.
gnomAD v4.1: 34 of 1,551,558 alleles (0.0022%); highest among the groups gnomAD compares: Admixed American, 0.0039%; no homozygotes.

Submissions (2):

Labcorp Genetics (formerly Invitae), Labcorp
Classification: Likely benign. Last evaluated: 2024-03-02. Review status: criteria provided, single submitter. Criteria: Invitae Variant Classification Sherloc (09022015). Collection method: clinical testing. Allele origin: germline.

CeGaT Center for Human Genetics Tuebingen
Classification: Likely benign. Last evaluated: 2023-07-01. Review status: criteria provided, single submitter. Criteria: CeGaT Center For Human Genetics Tuebingen Variant Classification Criteria Version 2. Collection method: clinical testing. Allele origin: germline. Affected: yes. Observed: 1 variant allele.
Comment: ZSWIM6: BP4, BP7

NM_020928.2(ZSWIM6):c.3066G>A (p.Thr1022=)

Gene: ZSWIM6 (zinc finger SWIM-type containing 6; plus strand). Cytogenetic location: 5q12.1.
Variant type: single nucleotide variant.
Coding change: c.3066G>A on transcript NM_020928.2 (MANE Select); coding-DNA position 3066, G replaced by A.
Protein change: p.Thr1022=; no amino-acid change (threonine 1022 retained).
Molecular consequence: synonymous variant.
Genome position (GRCh38, 1-based): chr5:61,543,735, G>A. VCF-style: chr5-61543735-G-A. GRCh37 (hg19) VCF-style: chr5-60839562-G-A.
Identifiers: ClinVar variation 717679 (VCV000717679.31), dbSNP rs1251656131, ClinGen allele CA444674748.